The following is an entry in ClinVar:

ClinVar aggregate classification (germline): Conflicting classifications of pathogenicity. Review status: criteria provided, conflicting classifications (1 of 4 stars). 7 submissions from 7 submitters: Uncertain significance (2); Likely benign (3). 2 of the submissions do not count toward it. Last evaluated 2026-01-03.

Conditions:
Cardiovascular phenotype. Identifiers: MedGen CN230736.
Sitosterolemia 1. Identifiers: MedGen C2749759, MONDO:0020747, OMIM 210250.

Allele frequency attached by ClinVar (database versions not stated): gnomAD below 0.00001 and 0.00027; TOPMed 0.00004; gnomAD exomes 0.00035 and 0.00067; ExAC 0.00068; 1000 Genomes Project 30x 0.00172; 1000 Genomes Project 0.00200.
gnomAD v4.1: 564 of 1,614,250 alleles (0.035%); highest among the groups gnomAD compares: South Asian, 0.58%; 3 homozygotes.

Submissions (7):

Labcorp Genetics (formerly Invitae), Labcorp
Classification: Likely benign. Last evaluated: 2026-01-03. Review status: criteria provided, single submitter. Criteria: Invitae Variant Classification Sherloc (09022015). Collection method: clinical testing. Allele origin: germline.

Women's Health and Genetics/Laboratory Corporation of America, LabCorp
Classification: Likely benign. Last evaluated: 2025-03-24. Review status: criteria provided, single submitter. Criteria: LabCorp Variant Classification Summary - May 2015. Collection method: clinical testing. Allele origin: germline.
Comment: Variant summary: ABCG8 c.1568C>T (p.Pro523Leu) results in a non-conservative amino acid change in the encoded protein sequence. Four of five in-silico tools predict a damaging effect of the variant on protein function. The variant allele was found at a frequency of 0.00067 in 250908 control chromosomes, predominantly at a frequency of 0.0054 within the South Asian subpopulation in the gnomAD database. The observed variant frequency within South Asian control individuals in the gnomAD database is more than the estimated maximal expected allele frequency for a pathogenic variant in ABCG8 causing Early Onset Coronary Artery Disease phenotype (0.005). To our knowledge, no occurrence of c.1568C>T in individuals affected with Early Onset Coronary Artery Disease and no experimental evidence demonstrating its impact on protein function have been reported. ClinVar contains an entry for this variant (Variation ID: 336084). Based on the evidence outlined above, the variant was classified as likely benign.

Ambry Genetics
Classification: Likely benign for Cardiovascular phenotype. Last evaluated: 2022-10-14. Review status: criteria provided, single submitter. Criteria: Ambry Variant Classification Scheme 2023. Collection method: clinical testing. Allele origin: germline.

New York Genome Center
Classification: Uncertain significance for Sitosterolemia 1. Last evaluated: 2022-09-08. Review status: criteria provided, single submitter. Criteria: NYGC Assertion Criteria 2020. Collection method: clinical testing. Allele origin: germline. Observed: 1 heterozygote.

Illumina Laboratory Services, Illumina
Classification: Uncertain significance for Sitosterolemia 1. Last evaluated: 2018-01-13. Review status: criteria provided, single submitter. Criteria: ICSL Variant Classification Criteria 13 December 2019. Collection method: clinical testing. Allele origin: germline.

Clinical Genetics DNA and cytogenetics Diagnostics Lab, Erasmus MC, Erasmus Medical Center
Classification: Uncertain significance. Review status: no assertion criteria provided. Collection method: clinical testing. Allele origin: germline. Affected: yes. Study: VKGL Data-share Consensus. Not counted in ClinVar's aggregate classification.

Clinical Genetics, Academic Medical Center
Classification: Uncertain significance. Review status: no assertion criteria provided. Collection method: clinical testing. Allele origin: germline. Affected: yes. Study: VKGL Data-share Consensus. Not counted in ClinVar's aggregate classification.

Literature cited by the submitters: PubMed 32041611 (cited by Ambry Genetics).

NM_022437.3(ABCG8):c.1568C>T (p.Pro523Leu)

Gene: ABCG8 (ATP binding cassette subfamily G member 8; plus strand). Cytogenetic location: 2p21.
Variant type: single nucleotide variant.
Coding change: c.1568C>T on transcript NM_022437.3 (MANE Select); coding-DNA position 1568, C replaced by T.
Protein change: p.Pro523Leu; replaces proline 523 with leucine.
Molecular consequence: missense variant.
Genome position (GRCh38, 1-based): chr2:43,875,225, C>T. VCF-style: chr2-43875225-C-T. GRCh37 (hg19) VCF-style: chr2-44102364-C-T.
Other names: c.1565C>T, p.Pro522Leu (NM_001357321.2); short protein forms P523L, P522L.
Identifiers: ClinVar variation 336084 (VCV000336084.19), dbSNP rs558635043, ClinGen allele CA1637546.